The following is an entry in ClinVar:

NM_006031.6(PCNT):c.455_532del (p.Pro152_His177del)

Gene: PCNT (pericentrin; plus strand). Cytogenetic location: 21q22.3.
Variant type: Deletion.
Coding change: c.455_532del on transcript NM_006031.6 (MANE Select); coding-DNA positions 455 to 532, 78 bases deleted.
Protein change: p.Pro152_His177del.
Molecular consequence: inframe deletion.
Genome position (GRCh38, 1-based): chr21:46,334,584-46,334,661, 78 bases deleted. GRCh37 (hg19): chr21:47,754,498-47,754,575.
Other names: c.101_178del, p.Pro34_His59del (NM_001315529.2).
Identifiers: ClinVar variation 4989236 (VCV004989236.1).

ClinVar aggregate classification (germline): Uncertain significance (1 of 4 stars; one submission).

Conditions:
PCNT-related disorder. Also called: PCNT-related condition.

Submission:

PreventionGenetics, part of Exact Sciences
Classification: Uncertain significance for PCNT-related condition. Last evaluated: 2026-06-24. Review status: criteria provided, single submitter. Criteria: ACMG Guidelines, 2015. Collection method: clinical testing. Allele origin: germline.
Comment: The PCNT c.455_532del78 variant is predicted to result in an in-frame deletion (p.Pro152_His177del). To our knowledge, this exact variant has not been reported in the literature or in a large population database (gnomAD), indicating it is rare. However, overlapping and nearby in-frame changes are present at high frequency, suggesting that in-frame variation in this region is more likely to be benign. Although we suspect this variant may be benign, at this time, the clinical significance of this variant is uncertain due to the absence of conclusive functional and genetic evidence.